The following is an entry in ClinVar:

NM_022836.4(DCLRE1B):c.280C>T (p.Leu94Phe)

Gene: DCLRE1B (DNA cross-link repair 1B; plus strand). Cytogenetic location: 1p13.2.
Variant type: single nucleotide variant.
Coding change: c.280C>T on transcript NM_022836.4 (MANE Select); coding-DNA position 280, C replaced by T.
Protein change: p.Leu94Phe; replaces leucine 94 with phenylalanine.
Molecular consequence: missense variant. On other transcripts: intron variant (3).
Genome position (GRCh38, 1-based): chr1:113,907,086, C>T. VCF-style: chr1-113907086-C-T. GRCh37 (hg19) VCF-style: chr1-114449708-C-T.
Other names: c.280C>T, p.Leu94Phe (NM_001363690.2); c.-23-923C>T (NM_001319947.2, NM_001319946.2, NM_001363691.2); short protein forms L94F.
Identifiers: ClinVar variation 1046505 (VCV001046505.8), dbSNP rs758475213, ClinGen allele CA1016329.

ClinVar aggregate classification (germline): Uncertain significance (1 of 4 stars; one submission).

Conditions:
Autosomal recessive dyskeratosis congenita. Identifiers: MedGen C3502105.
Hoyeraal-Hreidarsson syndrome (HHS). Also called: CEREBELLAR HYPOPLASIA WITH PANCYTOPENIA. Identifiers: Orphanet 3322, MedGen C1846142, MONDO:0018045.

Allele frequency attached by ClinVar (database versions not stated): gnomAD 0.00001; gnomAD exomes 0.00001 and 0.00002; ExAC 0.00003.
gnomAD v4.1: 15 of 1,613,902 alleles (0.00093%); highest among the groups gnomAD compares: Middle Eastern, 0.21%; no homozygotes.

Submission:

Labcorp Genetics (formerly Invitae), Labcorp
Classification: Uncertain significance for Hoyeraal-Hreidarsson syndrome; Autosomal recessive dyskeratosis congenita. Last evaluated: 2022-06-13. Review status: criteria provided, single submitter. Criteria: Invitae Variant Classification Sherloc (09022015). Collection method: clinical testing. Allele origin: germline.
Comment: In summary, the available evidence is currently insufficient to determine the role of this variant in disease. Therefore, it has been classified as a Variant of Uncertain Significance. Algorithms developed to predict the effect of missense changes on protein structure and function are either unavailable or do not agree on the potential impact of this missense change (SIFT: "Deleterious"; PolyPhen-2: "Probably Damaging"; Align-GVGD: "Class C0"). ClinVar contains an entry for this variant (Variation ID: 1046505). This variant has not been reported in the literature in individuals affected with DCLRE1B-related conditions. This variant is present in population databases (rs758475213, gnomAD 0.003%). This sequence change replaces leucine, which is neutral and non-polar, with phenylalanine, which is neutral and non-polar, at codon 94 of the DCLRE1B protein (p.Leu94Phe).